The following is an entry in ClinVar:

ClinVar aggregate classification (germline): Benign/Likely benign. Review status: criteria provided, multiple submitters, no conflicts (2 of 4 stars). 3 submissions from 3 submitters: Benign (1); Likely benign (1). 1 of the submissions does not count toward it. Last evaluated 2025-12-01.

Conditions:
ATP8A2-related disorder. Also called: ATP8A2-related condition.

Allele frequency attached by ClinVar (database versions not stated): ESP Exome Variant Server 0.00017; gnomAD 0.00014 and 0.00020; TOPMed 0.00019; 1000 Genomes Project 30x 0.00031; gnomAD exomes 0.00033; 1000 Genomes Project 0.00040.
gnomAD v4.1: 512 of 1,610,180 alleles (0.032%); highest among the groups gnomAD compares: South Asian, 0.32%; 3 homozygotes.

Submissions (3):

Labcorp Genetics (formerly Invitae), Labcorp
Classification: Benign. Last evaluated: 2025-12-01. Review status: criteria provided, single submitter. Criteria: Invitae Variant Classification Sherloc (09022015). Collection method: clinical testing. Allele origin: germline.

CeGaT Center for Human Genetics Tuebingen
Classification: Likely benign. Last evaluated: 2022-04-01. Review status: criteria provided, single submitter. Criteria: CeGaT Center For Human Genetics Tuebingen Variant Classification Criteria Version 2. Collection method: clinical testing. Allele origin: germline. Affected: yes. Observed: 2 variant alleles.
Comment: ATP8A2: BP4, BP7

PreventionGenetics, part of Exact Sciences
Classification: Likely benign for ATP8A2-related condition. Last evaluated: 2019-05-10. Review status: no assertion criteria provided. Collection method: clinical testing. Allele origin: germline. Not counted in ClinVar's aggregate classification.
Comment: This variant is classified as likely benign based on ACMG/AMP sequence variant interpretation guidelines (Richards et al. 2015 PMID: 25741868, with internal and published modifications).

NM_016529.6(ATP8A2):c.462A>C (p.Thr154=)

Gene: ATP8A2 (ATPase phospholipid transporting 8A2). Cytogenetic location: 13q12.13.
Variant type: single nucleotide variant.
Coding change: c.462A>C on transcript NM_016529.6 (MANE Select); coding-DNA position 462, A replaced by C.
Protein change: p.Thr154=; no amino-acid change (threonine 154 retained).
Molecular consequence: synonymous variant.
Genome position (GRCh38, 1-based): chr13:25,532,313, A>C. VCF-style: chr13-25532313-A-C. GRCh37 (hg19) VCF-style: chr13-26106451-A-C.
Other names: c.462A>C (NM_016529.5); c.342A>C, p.Thr114= (NM_001313741.1).
Identifiers: ClinVar variation 1168393 (VCV001168393.34), dbSNP rs201689401, ClinGen allele CA6922558.
Genomic context (GRCh38, chr13:25,532,313, plus strand): 5'-TTTTTTCTTTCTGTAACAGAAGCGACACAAGGCAGACAATGCAGTTAACAAAAAGAAAAC[A>C]ATAGGTAAGATCCCAGGCTGAAGGACTTTTTCCACTGGAAAACTTAAGAATAAGGCCTGC-3'
Protein context (NP_057613.4, residues 144-164): KADNAVNKKK[Thr154=]IVLRNGMWHT